The following is an entry in ClinVar:

NM_012144.4(DNAI1):c.1612G>A (p.Ala538Thr)

Gene: DNAI1 (dynein axonemal intermediate chain 1; plus strand). Cytogenetic location: 9p13.3.
Variant type: single nucleotide variant.
Coding change: c.1612G>A on transcript NM_012144.4 (MANE Select); coding-DNA position 1612, G replaced by A.
Protein change: p.Ala538Thr; replaces alanine 538 with threonine.
Molecular consequence: missense variant.
Genome position (GRCh38, 1-based): chr9:34,514,436, G>A. VCF-style: chr9-34514436-G-A. GRCh37 (hg19) VCF-style: chr9-34514434-G-A.
Other names: c.1612G>A (NM_012144.2); c.1624G>A, p.Ala542Thr (NM_001281428.2); short protein forms A538T, A542T.
Identifiers: ClinVar variation 583106 (VCV000583106.26), dbSNP rs368248592, ClinGen allele CA5034482.

ClinVar aggregate classification (germline): Pathogenic. Review status: criteria provided, multiple submitters, no conflicts (2 of 4 stars). 11 submissions from 11 submitters: Pathogenic (10). 1 of the submissions does not count toward it. Last evaluated 2026-01-27.

Conditions:
Primary ciliary dyskinesia. Also called: Ciliary dyskinesia. Identifiers: Orphanet 244, MedGen C0008780, MONDO:0016575, HP:0012265.
DNAI1-related disorder. Also called: DNAI1-related condition.
Kartagener syndrome (CILD1). Also called: CILIARY DYSKINESIA, PRIMARY, 1; CILIARY DYSKINESIA, PRIMARY, 1, WITH OR WITHOUT SITUS INVERSUS; IMMOTILE CILIA SYNDROME; POLYNESIAN BRONCHIECTASIS; Dextrocardia bronchiectasis and sinusitis; SIEWERT SYNDROME. Identifiers: Orphanet 244, MedGen C4551906, MONDO:0009484, OMIM 244400.
DNAI1-related disorders.
Respiratory ciliopathies including non-CF bronchiectasis.

Allele frequency attached by ClinVar (database versions not stated): TOPMed 0.00008.
gnomAD v4.1: 147 of 1,613,946 alleles (0.0091%); highest among the groups gnomAD compares: Non-Finnish European, 0.011%; no homozygotes.

Submissions (11):

GeneDx
Classification: Pathogenic. Last evaluated: 2026-01-27. Review status: criteria provided, single submitter. Criteria: GeneDx Variant Classification Process June 2021. Collection method: clinical testing. Allele origin: germline.
Comment: In silico analysis supports that this missense variant has a deleterious effect on protein structure/function; This variant is associated with the following publications: (PMID: 16858015, 21143860, 31589614, 31879361, 30067075, 34556108, 32622824, 33577779, 35728977, Catana_2022_CaseReport)

Natera, Inc.
Classification: Pathogenic for Primary ciliary dyskinesia. Last evaluated: 2026-01-12. Review status: criteria provided, single submitter. Criteria: Natera Variant Classification Schema (03/2026). Collection method: clinical testing. Allele origin: germline.
Comment: The c.1612G>A variant in DNAI1 is a missense variant predicted to cause substitution of alanine to threonine at amino acid 538. This variant is rare in the general population with a frequency below the threshold expected for the associated phenotype(s). This variant has been observed in one or more individuals affected with the associated recessive disease, as either homozygous or compound heterozygous with a second variant (PMID: 16858015, 34556108). Computational prediction algorithms indicate this variant is likely to affect gene or protein function. Given the available evidence, this variant is classified as Pathogenic.

Dasa
Classification: Pathogenic. Last evaluated: 2025-11-19. Review status: criteria provided, single submitter. Criteria: DASA Assertion Criteria. Collection method: clinical testing. Allele origin: germline.
Comment: NM_012144.4(DNAI1):c.1612G>A (p.Ala538Thr) is a missense variant that results in the substitution of alanine with threonine. Segregation evidence has been reported in affected families. This variant has been observed in affected individuals with related phenotype in a genotype context consistent with recessive disease (PMID: 34556108; PMID: 21143860). This variant has been recurrently observed in individuals with related phenotype (PMID: 34556108; PMID: 21143860). Multiple computational predictions support a deleterious effect on the gene or gene product. The variant is present at low frequency in population datasets. Based on the available data, this variant is classified as pathogenic.

NHS Central & South Genomic Laboratory Hub
Classification: Pathogenic for Respiratory ciliopathies including non-CF bronchiectasis. Last evaluated: 2025-09-25. Review status: criteria provided, single submitter. Criteria: ACMG Guidelines, 2015. Collection method: clinical testing. Allele origin: germline. Affected: yes.

Labcorp Genetics (formerly Invitae), Labcorp
Classification: Pathogenic for Primary ciliary dyskinesia. Last evaluated: 2025-09-23. Review status: criteria provided, single submitter. Criteria: Invitae Variant Classification Sherloc (09022015). Collection method: clinical testing. Allele origin: germline.
Comment: This sequence change replaces alanine, which is neutral and non-polar, with threonine, which is neutral and polar, at codon 538 of the DNAI1 protein (p.Ala538Thr). This variant is present in population databases (rs368248592, gnomAD 0.01%). This missense change has been observed in individual(s) with primary ciliary dyskinesia (PMID: 16858015, 21143860). In at least one individual the data is consistent with being in trans (on the opposite chromosome) from a pathogenic variant. ClinVar contains an entry for this variant (Variation ID: 583106). Invitae Evidence Modeling of protein sequence and biophysical properties (such as structural, functional, and spatial information, amino acid conservation, physicochemical variation, residue mobility, and thermodynamic stability) has been performed for this missense variant. However, the output from this modeling did not meet the statistical confidence thresholds required to predict the impact of this variant on DNAI1 protein function. For these reasons, this variant has been classified as Pathogenic.

Blueprint Genetics
Classification: Pathogenic for DNAI1-related disorders. Last evaluated: 2024-11-08. Review status: criteria provided, single submitter. Criteria: ACMG Guidelines, 2015. Collection method: clinical testing. Allele origin: germline. Affected: yes. Observed: 5 variant alleles.

PreventionGenetics, part of Exact Sciences
Classification: Pathogenic for DNAI1-related condition. Last evaluated: 2024-10-25. Review status: criteria provided, single submitter. Criteria: ACMG Guidelines, 2015. Collection method: clinical testing. Allele origin: germline.
Comment: The DNAI1 c.1612G>A variant is predicted to result in the amino acid substitution p.Ala538Thr. This variant has been reported in the homozygous or compound heterozygous state in multiple individuals with primary ciliary dyskinesia (Zariwala et al. 2006. PubMed ID: 16858015; Ziętkiewicz et al. 2010. PubMed ID: 21143860; Table S3, Fassad et al. 2020. PubMed ID: 31879361). This variant is reported in 0.014% of alleles in individuals of European (Non-Finnish) descent in gnomAD. This variant is interpreted as pathogenic.

Fulgent Genetics
Classification: Pathogenic for Kartagener syndrome. Last evaluated: 2024-03-06. Review status: criteria provided, single submitter. Criteria: ACMG Guidelines, 2015. Collection method: clinical testing. Allele origin: germline.

Centre of Medical Genetics, University Hospital Muenster
Classification: Pathogenic. Last evaluated: 2022-07-07. Review status: criteria provided, single submitter. Criteria: ACMG Guidelines, 2015. Collection method: clinical testing. Allele origin: unknown. Affected: yes. Observed: 1 variant allele, 1 heterozygote.
Comment: ACMG categories: PS4,PM1,PM2,PM3,PP1,PP3,PP5

Ambry Genetics
Classification: Pathogenic for Primary ciliary dyskinesia. Last evaluated: 2015-09-10. Review status: criteria provided, single submitter. Criteria: Ambry Variant Classification Scheme 2023. Collection method: clinical testing. Allele origin: germline.
Comment: The p.A538T pathogenic mutation (also known as c.1612G>A), located in coding exon 17 of the DNAI1 gene, results from a G to A substitution at nucleotide position 1612. The alanine at codon 538 is replaced by threonine, an amino acid with some similar properties. This alteration was first reported in two unrelated individuals with symptoms of PCD with a second pathogenic alteration (confirmed in trans in one patient); both patients had outer dynein arm defects identified by ultrastructual analysis (Zariwala MA et al. Am J Respir Crit Care Med. 2006;174(8):858-66). In addition, this alteration was identified in the homozygous state in three families and in conjunction with another pathogenic mutation in an additional two patients, all who had symptoms of PCD and dynein arm defects; authors suggest this alteration may be a Polish founder mutation (Zitkiewicz E et al. Respir Res. 2010;11:174). Based on the supporting evidence, p.A538T is interpreted as a disease-causing mutation.

Yale Center for Mendelian Genomics, Yale University
Classification: Likely pathogenic for Primary ciliary dyskinesia. Last evaluated: 2018-08-01. Review status: no assertion criteria provided. Collection method: literature only. Allele origin: germline. Affected: yes. Observed: 2 compound heterozygotes. Study: Yale Center for Mendelian Genomics. Not counted in ClinVar's aggregate classification.

Literature cited by the submitters: PubMed 16858015 (cited by 4 submitters); PubMed 34556108 (cited by Natera, Inc. and Dasa); PubMed 21143860 (cited by 3 submitters); PubMed 30067075 (cited by Yale Center for Mendelian Genomics, Yale University).